The following is an entry in ClinVar:

NM_001267550.2(TTN):c.15113T>C (p.Ile5038Thr)

Gene: TTN (titin; minus strand). Cytogenetic location: 2q31.2.
Variant type: single nucleotide variant.
Coding change: c.15113T>C on transcript NM_001267550.2 (MANE Select); coding-DNA position 15113, T replaced by C.
Protein change: p.Ile5038Thr; replaces isoleucine 5038 with threonine.
Molecular consequence: missense variant. On other transcripts: intron variant (3).
Genome position (GRCh38, 1-based): chr2:178,734,811, A>G on the plus strand (T>C on the coding strand, the complement: TTN is on the minus strand). VCF-style: chr2-178734811-A-G. GRCh37 (hg19) VCF-style: chr2-179599538-A-G.
Other names: c.14162T>C, p.Ile4721Thr (NM_001256850.1); c.11381T>C, p.Ile3794Thr (NM_133378.4); c.13282+3271T>C (NM_003319.4); c.13858+3271T>C (NM_133437.4); c.13657+3271T>C (NM_133432.3); short protein forms I3794T, I4721T, I5038T.
Identifiers: ClinVar variation 3585089 (VCV003585089.3).

ClinVar aggregate classification (germline): Uncertain significance. Review status: criteria provided, multiple submitters, no conflicts (2 of 4 stars). 3 submissions from 3 submitters: Uncertain significance (3). Last evaluated 2026-03-10.

Conditions:
TTN-related disorder. Also called: TTN-related condition; TTN-related disease; TTN-related disorders.
Autosomal recessive limb-girdle muscular dystrophy type 2J (LGMDR10). Also called: Limb-girdle muscular dystrophy, type 2J; MUSCULAR DYSTROPHY, LIMB-GIRDLE, AUTOSOMAL RECESSIVE 10. Identifiers: Orphanet 140922, MedGen C1837342, MONDO:0012127, OMIM 608807.
Dilated cardiomyopathy 1G (CMD1G). Identifiers: Orphanet 154, MedGen C1858763, MONDO:0011400, OMIM 604145.
Myopathy, myofibrillar, 9, with early respiratory failure (MFM9). Also called: Hereditary myopathy with early respiratory failure; EDSTROM MYOPATHY; MYOPATHY, PROXIMAL, WITH EARLY RESPIRATORY MUSCLE INVOLVEMENT; Myopathy, distal, with early respiratory failure, autosomal dominant. Identifiers: Orphanet 178464, Orphanet 34521, MedGen C1863599, MONDO:0011362, OMIM 603689.
Early-onset myopathy with fatal cardiomyopathy (CMYO5). Also called: Salih Myopathy; CONGENITAL MYOPATHY 5 WITH CARDIOMYOPATHY. Identifiers: Orphanet 289377, MedGen C2673677, MONDO:0012714, OMIM 611705. Disease mechanism: loss of function.
Hypertrophic cardiomyopathy 9. Also called: Familial hypertrophic cardiomyopathy 9. Identifiers: MedGen C1861065, MONDO:0013412, OMIM 613765.
Tibial muscular dystrophy (TMD). Also called: UDD MYOPATHY; Tibial muscular dystrophy, tardive; Udd Distal Myopathy – Tibial Muscular Dystrophy. Identifiers: Orphanet 609, MedGen C1838244, MONDO:0010870, OMIM 600334.

gnomAD v4.1: 1 of 1,613,850 alleles (0.000062%); no homozygotes.

Submissions (3):

PreventionGenetics, part of Exact Sciences
Classification: Uncertain significance for TTN-related condition. Last evaluated: 2026-03-10. Review status: criteria provided, single submitter. Criteria: ACMG Guidelines, 2015. Collection method: clinical testing. Allele origin: germline.
Comment: The TTN c.15113T>C variant is predicted to result in the amino acid substitution p.Ile5038Thr. To our knowledge, this variant has not been reported in the literature or in a large population database (gnomAD), indicating this variant is rare. At this time, the clinical significance of this variant is uncertain due to the absence of conclusive functional and genetic evidence.

GeneDx
Classification: Uncertain significance. Last evaluated: 2024-11-26. Review status: criteria provided, single submitter. Criteria: GeneDx Variant Classification Process June 2021. Collection method: clinical testing. Allele origin: germline. Affected: yes.
Comment: Not observed at significant frequency in large population cohorts (gnomAD); Missense variant in a gene in which most reported pathogenic variants are truncating/loss of function; Has not been previously published as pathogenic or benign to our knowledge

Fulgent Genetics
Classification: Uncertain significance for Tibial muscular dystrophy; Myopathy, myofibrillar, 9, with early respiratory failure; Dilated cardiomyopathy 1G; Autosomal recessive limb-girdle muscular dystrophy type 2J; Early-onset myopathy with fatal cardiomyopathy; Hypertrophic cardiomyopathy 9. Last evaluated: 2024-04-24. Review status: criteria provided, single submitter. Criteria: ACMG Guidelines, 2015. Collection method: clinical testing. Allele origin: germline.